The following is an entry in ClinVar:

NM_001378328.1(CELSR1):c.3439G>A (p.Glu1147Lys)

Gene: CELSR1 (cadherin EGF LAG seven-pass G-type receptor 1; minus strand). Cytogenetic location: 22q13.31.
Variant type: single nucleotide variant.
Coding change: c.3439G>A on transcript NM_001378328.1 (MANE Select); coding-DNA position 3439, G replaced by A.
Protein change: p.Glu1147Lys; replaces glutamic acid 1147 with lysine.
Molecular consequence: missense variant.
Genome position (GRCh38, 1-based): chr22:46,533,732, C>T on the plus strand (G>A on the coding strand, the complement: CELSR1 is on the minus strand). VCF-style: chr22-46533732-C-T. GRCh37 (hg19) VCF-style: chr22-46929629-C-T.
Other names: c.3439G>A, p.Glu1147Lys (NM_014246.4); short protein forms E1147K.
Identifiers: ClinVar variation 2579786 (VCV002579786.1), dbSNP rs1205761230, ClinGen allele CA411936445.
Genomic context (GRCh38, chr22:46,533,732, plus strand): 5'-CCAGGTCGCGGCTGAGCTGCAGTTCGCCCGTGGCGGGGTCCAGCAGCAACAGGCGCAGCT[C>T]GTTGCCCTGCACGAAGGTGTAGTTGAGGCTGTCTGACACGTCGGGGTCATGGGCCGGGAT-3'
Protein context (NP_001365257.1, residues 1137-1157): SLNYTFVQGN[Glu1147Lys]LRLLLLDPAT

ClinVar aggregate classification (germline): Uncertain significance (1 of 4 stars; one submission).

Allele frequency attached by ClinVar (database versions not stated): gnomAD exomes below 0.00001.
gnomAD v4.1: 2 of 1,613,208 alleles (0.00012%); highest among the groups gnomAD compares: East Asian, 0.0022%; no homozygotes.

Submission:

GeneDx
Classification: Uncertain significance. Last evaluated: 2023-03-14. Review status: criteria provided, single submitter. Criteria: GeneDx Variant Classification Process June 2021. Collection method: clinical testing. Allele origin: germline. Affected: yes.
Comment: Not observed at significant frequency in large population cohorts (gnomAD); In silico analysis supports that this missense variant has a deleterious effect on protein structure/function; Has not been previously published as pathogenic or benign to our knowledge